The following is an entry in ClinVar:

ClinVar aggregate classification (germline): Likely benign (0 of 4 stars; one submission).

Conditions:
CIC-related disorder. Also called: CIC-related condition.

Allele frequency attached by ClinVar (database versions not stated): gnomAD exomes 0.00003; ExAC 0.00004; ESP Exome Variant Server 0.00015.
gnomAD v4.1: 54 of 1,613,876 alleles (0.0033%); highest among the groups gnomAD compares: Admixed American, 0.005%; no homozygotes.

Submission:

PreventionGenetics, part of Exact Sciences
Classification: Likely benign for CIC-related condition. Last evaluated: 2019-11-25. Review status: no assertion criteria provided. Collection method: clinical testing. Allele origin: germline.
Comment: This variant is classified as likely benign based on ACMG/AMP sequence variant interpretation guidelines (Richards et al. 2015 PMID: 25741868, with internal and published modifications).

NM_001386298.1(CIC):c.4281G>A (p.Pro1427=)

Gene: CIC (capicua transcriptional repressor; plus strand). Cytogenetic location: 19q13.2.
Variant type: single nucleotide variant.
Coding change: c.4281G>A on transcript NM_001386298.1 (MANE Select); coding-DNA position 4281, G replaced by A.
Protein change: p.Pro1427=; no amino-acid change (proline 1427 retained).
Molecular consequence: synonymous variant.
Genome position (GRCh38, 1-based): chr19:42,290,322, G>A. VCF-style: chr19-42290322-G-A. GRCh37 (hg19) VCF-style: chr19-42794474-G-A.
Other names: c.4281G>A, p.Pro1427= (NM_001304815.2, NM_001379480.1, NM_001379482.1 and 1 more transcripts); c.1554G>A, p.Pro518= (NM_001379484.1, NM_001379485.1, NM_015125.5).
Identifiers: ClinVar variation 3049080 (VCV003049080.2), dbSNP rs142884630, ClinGen allele CA9472040.